The following is an entry in ClinVar:

ClinVar aggregate classification (germline): Pathogenic (1 of 4 stars; one submission).

Conditions:
Severe myoclonic epilepsy in infancy (DRVT). Also called: Epileptic encephalopathy, early infantile, 6 (Dravet syndrome); SEVERE MYOCLONIC EPILEPSY OF INFANCY; DEVELOPMENTAL AND EPILEPTIC ENCEPHALOPATHY 6A; Severe Myoclonic Epilepsy in Infancy (SMEI); Dravet syndrome. Identifiers: Orphanet 33069, MedGen C0751122, MONDO:0100135, OMIM 607208.

Submission:

Center for Bioinformatics, Peking University
Classification: Pathogenic for Dravet syndrome. Last evaluated: 2014-12-20. Review status: criteria provided, single submitter. Criteria: Xu et al. (Hum Mutat. 2015). Collection method: research. Allele origin: de novo. Affected: yes. Observed: 1 variant allele. Study: University Clinical Cooperation “985 Project” PKU-2014-1-1.
Comment: Dravet syndrome (DS) probands were recruited from the outpatient and inpatient child neurology units of Peking University First Hospital from 2005 till present. The study was approved by the Ethics Committee of Peking University First Hospital and the Institutional Review Board at Peking University. Participants or their parents provided written informed consent before enrollment. We collected a total of 267 mutations from 255 families with probands diagnosed with DS in China. All probands fulfilled the clinical diagnostic criteria.

NM_001165963.4(SCN1A):c.3757G>T (p.Glu1253Ter)

Genes: SCN1A (sodium voltage-gated channel alpha subunit 1; minus strand), LOC102724058 (uncharacterized LOC102724058; plus strand). Cytogenetic location: 2q24.3.
Variant type: single nucleotide variant.
Coding change: c.3757G>T on transcript NM_001165963.4 (MANE Select); coding-DNA position 3757, G replaced by T.
Protein change: p.Glu1253Ter; replaces glutamic acid 1253 with a stop codon.
Molecular consequence: nonsense. On other transcripts: non-coding transcript variant (1).
Genome position (GRCh38, 1-based): chr2:166,012,231, C>A on the plus strand (G>T on the coding strand, the complement: SCN1A is on the minus strand). VCF-style: chr2-166012231-C-A. GRCh37 (hg19) VCF-style: chr2-166868741-C-A.
Other names: c.3673G>T, p.Glu1225Ter (NM_001165964.3, NM_001353957.2, NM_001353958.2); c.3757G>T, p.Glu1253Ter (NM_001202435.3, NM_001353948.2); c.3724G>T, p.Glu1242Ter (NM_001353949.2, NM_001353950.2, NM_001353951.2 and 2 more transcripts); c.3721G>T, p.Glu1241Ter (NM_001353954.2, NM_001353955.2); c.3670G>T, p.Glu1224Ter (NM_001353960.2); c.1315G>T, p.Glu439Ter (NM_001353961.2); short protein forms E1242*, E1253*, E439*, E1241*, E1225*, E1224*.
Identifiers: ClinVar variation 189986 (VCV000189986.1), dbSNP rs794726817, ClinGen allele CA303484.